The following is an entry in ClinVar:

ClinVar aggregate classification (germline): Pathogenic/Likely pathogenic. Review status: criteria provided, multiple submitters, no conflicts (2 of 4 stars). 8 submissions from 8 submitters: Pathogenic (7); Likely pathogenic (1). Last evaluated 2025-10-06.

Conditions:
Familial ovarian cancer. Identifiers: MedGen C5679802, MONDO:0016248.
Hereditary cancer-predisposing syndrome. Also called: Neoplastic Syndromes, Hereditary; Hereditary Cancer Syndrome; Tumor predisposition; Hereditary neoplastic syndrome. Identifiers: Orphanet 140162, MedGen C0027672, MeSH D009386, MONDO:0015356.
Familial cancer of breast. Also called: BREAST CANCER, FAMILIAL; hereditary breast carcinoma; Hereditary breast cancer. Identifiers: Orphanet 227535, MedGen C0346153, MONDO:0016419, OMIM 114480. Disease mechanism: loss of function.
Fanconi anemia complementation group J. Also called: BRIP1-Related Fanconi Anemia. Identifiers: Orphanet 84, MedGen C1836860, MONDO:0012187, OMIM 609054.

Submissions (8):

Color Diagnostics, LLC DBA Color Health
Classification: Pathogenic for Hereditary cancer-predisposing syndrome. Last evaluated: 2025-10-06. Review status: criteria provided, single submitter. Criteria: ACMG Guidelines, 2015. Collection method: clinical testing. Allele origin: germline.
Comment: This variant inserts 4 nucleotides in exon 9 of the BRIP1 gene, creating a frameshift and premature translation stop signal. This variant is expected to result in an absent or non-functional protein product. This variant has been reported in an individual affected with ovarian cancer and skin cancer (PMID: 26681312). This variant has not been identified in the general population by the Genome Aggregation Database (gnomAD). Loss of BRIP1 function is a known mechanism of disease. Based on the available evidence, this variant is classified as Pathogenic.

Labcorp Genetics (formerly Invitae), Labcorp
Classification: Pathogenic for Familial cancer of breast; Fanconi anemia complementation group J. Last evaluated: 2025-07-16. Review status: criteria provided, single submitter. Criteria: Invitae Variant Classification Sherloc (09022015). Collection method: clinical testing. Allele origin: germline.
Comment: This sequence change creates a premature translational stop signal (p.Ala402Valfs*21) in the BRIP1 gene. It is expected to result in an absent or disrupted protein product. Loss-of-function variants in BRIP1 are known to be pathogenic (PMID: 16116423, 17033622, 21964575). This variant is not present in population databases (gnomAD no frequency). This premature translational stop signal has been observed in individual(s) with skin and ovarian cancer (PMID: 26681312). ClinVar contains an entry for this variant (Variation ID: 182369). For these reasons, this variant has been classified as Pathogenic.

Baylor Genetics
Classification: Pathogenic for Familial cancer of breast. Last evaluated: 2024-03-10. Review status: criteria provided, single submitter. Criteria: ACMG Guidelines, 2015. Collection method: clinical testing. Allele origin: unknown.

Ambry Genetics
Classification: Pathogenic for Hereditary cancer-predisposing syndrome. Last evaluated: 2023-11-02. Review status: criteria provided, single submitter. Criteria: Ambry Variant Classification Scheme 2023. Collection method: clinical testing. Allele origin: germline.
Comment: The c.1201_1204dupTGTG pathogenic mutation, located in coding exon 8 of the BRIP1 gene, results from a duplication of TGTG at nucleotide positions 1201 to 1204, causing a translational frameshift with a predicted alternate stop codon (p.A402Vfs*21). This alteration was identified in 1/10030 consecutive patients referred for evaluation by an NGS hereditary cancer panel; this patient had a history of ovarian and skin cancer (Susswein LR et al. Genet. Med. 2016 08;18(8):823-32). In addition to the clinical data presented in the literature, this alteration is expected to result in loss of function by premature protein truncation or nonsense-mediated mRNA decay. As such, this alteration is interpreted as a disease-causing mutation.

Myriad Genetics, Inc.
Classification: Pathogenic for Familial cancer of breast. Last evaluated: 2023-06-01. Review status: criteria provided, single submitter. Criteria: Myriad Autosomal Dominant, Autosomal Recessive and X-Linked Classification Criteria (2023). Collection method: clinical testing. Allele origin: unknown.
Comment: This variant is considered pathogenic. This variant creates a frameshift predicted to result in premature protein truncation.

GeneDx
Classification: Pathogenic. Last evaluated: 2019-10-18. Review status: criteria provided, single submitter. Criteria: GeneDx Variant Classification Process June 2021. Collection method: clinical testing. Allele origin: germline. Affected: yes.
Comment: Frameshift variant predicted to result in protein truncation or nonsense mediated decay in a gene for which loss-of-function is a known mechanism of disease; Observed in an individual with ovarian cancer (Carter 2018); Not observed in large population cohorts (Lek 2016); This variant is associated with the following publications: (PMID: 26681312, 30322717)

Department of Pathology and Laboratory Medicine, Sinai Health System
Classification: Pathogenic for familial ovarian cancer. Last evaluated: 2018-08-23. Review status: criteria provided, single submitter. Criteria: ACMG Guidelines, 2015. Collection method: clinical testing. Allele origin: germline. Affected: no.

University Health Network, Familial Cancer Clinic, Princess Margaret Cancer Centre
Classification: Likely pathogenic for Familial ovarian cancer. Review status: criteria provided, single submitter. Criteria: ACMG Guidelines, 2015. Collection method: clinical testing. Allele origin: germline. Inheritance: Autosomal dominant inheritance. Affected: yes. Observed: 1 variant allele.

Literature cited by the submitters: PubMed 26681312 (cited by 4 submitters); PubMed 16116423 (cited by Labcorp Genetics (formerly Invitae), Labcorp); PubMed 17033622 (cited by Labcorp Genetics (formerly Invitae), Labcorp); PubMed 21964575 (cited by Labcorp Genetics (formerly Invitae), Labcorp).

NM_032043.3(BRIP1):c.1201_1204dup (p.Ala402fs)

Gene: BRIP1 (BRCA1 interacting DNA helicase 1; minus strand). Cytogenetic location: 17q23.2.
Variant type: Microsatellite.
Coding change: c.1201_1204dup on transcript NM_032043.3 (MANE Select); coding-DNA positions 1201 to 1204, 4 bases duplicated (TGTG; older notation c.1201_1204dupTGTG).
Protein change: p.Ala402fs; shifts the reading frame from alanine 402.
Molecular consequence: frameshift variant.
Genome position (GRCh38, 1-based): chr17:61,799,236-61,799,239, CACA duplicated on the plus strand (TGTG on the coding strand, the reverse complement: BRIP1 is on the minus strand). VCF-style (leftmost placement, unchanged base first): chr17-61799235-G-GCACA. GRCh37 (hg19) VCF-style: chr17-59876596-G-GCACA.
Other names: c.1201_1204dup (NM_032043.2); c.1204_1205insTGTG (NM_032043.2); short protein forms A402fs.
Identifiers: ClinVar variation 182369 (VCV000182369.23), dbSNP rs730881647, ClinGen allele CA298924.